The following is an entry in ClinVar:

ClinVar aggregate classification (germline): Uncertain significance (1 of 4 stars; one submission).

Allele frequency attached by ClinVar (database versions not stated): TOPMed 0.00001; ExAC 0.00002; gnomAD exomes 0.00006.
gnomAD v4.1: 85 of 1,609,000 alleles (0.0053%); highest among the groups gnomAD compares: Non-Finnish European, 0.007%; no homozygotes.

Submissions (2):

Labcorp Genetics (formerly Invitae), Labcorp
Classification: Uncertain significance. Last evaluated: 2022-03-23. Review status: criteria provided, single submitter. Criteria: Invitae Variant Classification Sherloc (09022015). Collection method: clinical testing. Allele origin: germline.
Comment: This sequence change replaces lysine, which is basic and polar, with threonine, which is neutral and polar, at codon 27 of the SLC25A42 protein (p.Lys27Thr). This variant is present in population databases (rs749095738, gnomAD 0.005%). This variant has not been reported in the literature in individuals affected with SLC25A42-related conditions. Algorithms developed to predict the effect of missense changes on protein structure and function (SIFT, PolyPhen-2, Align-GVGD) all suggest that this variant is likely to be tolerated. In summary, the available evidence is currently insufficient to determine the role of this variant in disease. Therefore, it has been classified as a Variant of Uncertain Significance.

Dr. Peter K. Rogan Lab, Western University
No classification provided (evidence only). Condition: Ovarian serous cystadenocarcinoma. Review status: no classification provided. Collection method: in vitro. Allele origin: not applicable. Functional consequence: retained intron. Not counted in ClinVar's aggregate classification.

NM_178526.5(SLC25A42):c.80A>C (p.Lys27Thr)

Gene: SLC25A42 (solute carrier family 25 member 42; plus strand). Cytogenetic location: 19p13.11.
Variant type: single nucleotide variant.
Coding change: c.80A>C on transcript NM_178526.5 (MANE Select); coding-DNA position 80, A replaced by C.
Protein change: p.Lys27Thr; replaces lysine 27 with threonine.
Molecular consequence: missense variant.
Genome position (GRCh38, 1-based): chr19:19,096,204, A>C. VCF-style: chr19-19096204-A-C. GRCh37 (hg19) VCF-style: chr19-19207013-A-C.
Other names: c.80A>C, p.Lys27Thr (NM_001321544.2); short protein forms K27T.
Identifiers: ClinVar variation 1900324 (VCV001900324.5), dbSNP rs749095738, ClinGen allele CA9321330.
Genomic context (GRCh38, chr19:19,096,204, plus strand): 5'-AAGGCCCGGTGCGATTGCATGAGGATGCTGAGGCTGTCCTGTCCTCGTCCGTCTCATCAA[A>C]GGCAAGTACCCCGGCCTCCTGGGATGGGTGTTCTCCTGGGGCCCCAGCCTCCCCACCCCC-3'
Protein context (NP_848621.2, residues 17-37): EAVLSSSVSS[Lys27Thr]RDHRQVLSSL